The following is an entry in ClinVar:

NM_000329.3(RPE65):c.1291T>C (p.Tyr431His)

Gene: RPE65 (retinoid isomerohydrolase RPE65; minus strand). Cytogenetic location: 1p31.3.
Variant type: single nucleotide variant.
Coding change: c.1291T>C on transcript NM_000329.3 (MANE Select); coding-DNA position 1291, T replaced by C.
Protein change: p.Tyr431His; replaces tyrosine 431 with histidine.
Molecular consequence: missense variant.
Genome position (GRCh38, 1-based): chr1:68,431,329, A>G on the plus strand (T>C on the coding strand, the complement: RPE65 is on the minus strand). VCF-style: chr1-68431329-A-G. GRCh37 (hg19) VCF-style: chr1-68897012-A-G.
Other names: NP_000320.1:p.(Tyr431His); NM_000329.3(RPE65):c.1291T>C; p.Tyr431His; c.1183T>C, p.Tyr395His (NM_001406853.1); c.1015T>C, p.Tyr339His (NM_001406856.1, NM_001406857.1); c.1291T>C (NM_000329.2); short protein forms Y395H, Y339H, Y431H.
Identifiers: ClinVar variation 1986858 (VCV001986858.8), dbSNP rs985047210, ClinGen allele CA23564019.

ClinVar aggregate classification (germline): Pathogenic. Review status: reviewed by expert panel (3 of 4 stars). 5 submissions from 5 submitters: Pathogenic (1). 4 of the submissions do not count toward it. Last evaluated 2026-01-15.

Conditions:
RPE65-related recessive retinopathy. Also called: Recessive RPE65 retinopathy. Identifiers: MedGen CN305526, MONDO:0100368.
Leber congenital amaurosis 2 (LCA2). Also called: AMAUROSIS CONGENITA OF LEBER II; Autosomal Recessive RPE65-Related Retinal Degeneration. Identifiers: Orphanet 65, MedGen C1859844, MONDO:0008765, OMIM 204100. Disease mechanism: loss of function.
Retinitis pigmentosa 20 (RP20). Identifiers: Orphanet 791, MedGen C3151086, MONDO:0013425, OMIM 613794.
Retinal dystrophy. Also called: Inherited retinal dystrophy. Identifiers: Orphanet 71862, MedGen C0854723, MeSH D058499, MONDO:0019118, HP:0000556.
RPE65-related disorder. Also called: RPE65-related condition; RPE65-related disorders. Identifiers: MedGen CN239301.

Allele frequency attached by ClinVar (database versions not stated): TOPMed 0.00016.
gnomAD v4.1: 22 of 1,613,910 alleles (0.0014%); no homozygotes.

Submissions (5):

ClinGen Leber Congenital Amaurosis/early Onset Retinal Dystrophy Variant Curation Expert Panel, ClinGen
Classification: Pathogenic for RPE65-related recessive retinopathy. Last evaluated: 2026-01-15. Review status: reviewed by expert panel. Criteria: ClinGen LCAeoRD ACMG Specifications RPE65 V1.0.0. Collection method: curation. Allele origin: germline. Inheritance: Autosomal recessive inheritance.
Comment: NM_000329.3(RPE65):c.1291T>C (p.Tyr431His) is a missense variant causing substitution of tyrosine by histidine at amino acid p.431. Another missense variant in the same codon (NM_000329.3(RPE65):c.1292A>G (p.Tyr431Cys)) has been classified as likely pathogenic for RPE65-related recessive retinopathy by the ClinGen LCA / eoRD VCEP (PMIDs: 14962443, 19117922, 30268864). Splicing prediction using SpliceAI did not strongly predict an effect on splicing due to either of these variants (PM5_Supporting). This variant is present in gnomAD v.4.1.0 at a total allele frequency of 0.00001363, with 22 alleles / 1,613,910 total alleles, all of them occurring in the Amish population, which is lower than the ClinGen LCA / eoRD VCEP PM2_Supporting threshold of <0.0002 (PM2_Supporting). This variant has been reported in at least 2 probands with early-onset severe retinal dystrophy who were homozygous for the variant (1 point, PMID 40180963 and VCEP member-facilitated unpublished data). This variant has also been reported in at least 1 proband who was compound heterozygous with the NM_000329.3(RPE65):c.1102T>C (p.Tyr368His) variant confirmed in trans (1 point, PMID: 27102010), which was previously classified pathogenic by the ClinGen LCA / eoRD VCEP (2 total points, PM3_Strong). The variant has been reported to segregate with childhood-onset severe retinal dystrophy through the proband plus 2 similarly affected relatives, with the variant present in the homozygous state. (PP1_Moderate; PMID: 40180963) A proband harboring this variant exhibits a phenotype including reduced central visual acuity (1 pt), reduced dark-adapted (0.5 pts) and light-adapted (1 pt) electroretinogram responses, and inclusion in gene therapy study with strict inclusion criteria, resulting in improvement of dark-adapted ERG and static perimetry findings in the treated eye (2 pts), which together are specific for RPE65-related recessive retinopathy (total 4.5 points, PMID: 27102010, PP4). The computational predictor REVEL gives a score of 0.873, which is above the ClinGen LCA / eoRD VCEP threshold of ≥0.773 and predicts a damaging effect on RPE65 function (PP3_Moderate). In summary, this variant meets the criteria to be classified as Pathogenic for RPE65-related recessive retinopathy based on the ACMG/AMP criteria applied, as specified by the ClinGen LCA/eoRD VCEP: PM2_Supporting, PM3_Strong, PP3_Moderate, PP4, PP1_Moderate, and PM5_Supporting. (VCEP specifications version 1.0.0; date of approval 09/21/2023).

Labcorp Genetics (formerly Invitae), Labcorp
Classification: Uncertain significance for Leber congenital amaurosis 2; Retinitis pigmentosa 20. Last evaluated: 2025-09-02. Review status: criteria provided, single submitter. Criteria: Invitae Variant Classification Sherloc (09022015). Collection method: clinical testing. Allele origin: germline. Not counted in ClinVar's aggregate classification.
Comment: This sequence change replaces tyrosine, which is neutral and polar, with histidine, which is basic and polar, at codon 431 of the RPE65 protein (p.Tyr431His). This variant is present in population databases (no rsID available, gnomAD 0.007%). This missense change has been observed in individual(s) with clinical features of RPE-related conditions (internal data). ClinVar contains an entry for this variant (Variation ID: 1986858). Invitae Evidence Modeling of protein sequence and biophysical properties (such as structural, functional, and spatial information, amino acid conservation, physicochemical variation, residue mobility, and thermodynamic stability) indicates that this missense variant is not expected to disrupt RPE65 protein function with a negative predictive value of 80%. This variant disrupts the p.Tyr431 amino acid residue in RPE65. Other variant(s) that disrupt this residue have been determined to be pathogenic (PMID: 14962443, 19117922, 30268864). This suggests that this residue is clinically significant, and that variants that disrupt this residue are likely to be disease-causing. In summary, the available evidence is currently insufficient to determine the role of this variant in disease. Therefore, it has been classified as a Variant of Uncertain Significance.

Ophthalmic Genetics Group, Institute of Molecular and Clinical Ophthalmology Basel
Classification: Likely pathogenic for Retinal dystrophy. Last evaluated: 2024-05-27. Review status: criteria provided, single submitter. Criteria: ACMG Guidelines, 2015. Collection method: research. Allele origin: germline. Affected: yes. Observed: 3 variant alleles. Not counted in ClinVar's aggregate classification.
Comment: This variant was classified as Likely pathogenic based on ACMG criteria: PM5_mod, PP1_strong, PP3_mod and PP2_sup

GeneDx
Classification: Likely pathogenic. Last evaluated: 2022-03-04. Review status: criteria provided, single submitter. Criteria: GeneDx Variant Classification Process June 2021. Collection method: clinical testing. Allele origin: germline. Affected: yes. Not counted in ClinVar's aggregate classification.
Comment: Not observed at significant frequency in large population cohorts (gnomAD); In silico analysis supports that this missense variant has a deleterious effect on protein structure/function; This variant is associated with the following publications: (PMID: 27102010)

Blueprint Genetics
Classification: Likely pathogenic for RPE65-related disorders. Last evaluated: 2017-06-20. Review status: criteria provided, single submitter. Criteria: ACMG Guidelines, 2015. Collection method: clinical testing. Allele origin: germline. Affected: yes. Observed: 1 variant allele. Not counted in ClinVar's aggregate classification.

Literature cited by the submitters: PubMed 14962443 (cited by Labcorp Genetics (formerly Invitae), Labcorp); PubMed 19117922 (cited by Labcorp Genetics (formerly Invitae), Labcorp); PubMed 30268864 (cited by Labcorp Genetics (formerly Invitae), Labcorp); PubMed 40180963 (cited by Ophthalmic Genetics Group, Institute of Molecular and Clinical Ophthalmology Basel).